The following is an entry in ClinVar:

NM_004563.4(PCK2):c.1469-10T>C

Genes: NRL (neural retina leucine zipper; minus strand), PCK2 (phosphoenolpyruvate carboxykinase 2, mitochondrial; plus strand). Cytogenetic location: 14q12.
Variant type: single nucleotide variant.
Coding change: c.1469-10T>C on transcript NM_004563.4 (MANE Select); 10 bases into the intron before coding-DNA position 1469, T replaced by C.
Molecular consequence: intron variant.
Genome position (GRCh38, 1-based): chr14:24,103,500, T>C. VCF-style: chr14-24103500-T-C. GRCh37 (hg19) VCF-style: chr14-24572709-T-C.
Other names: p.?; c.-28+11222A>G (NM_001354768.3, NM_001354770.2); c.-254+11222A>G (NM_006177.5); c.1067-10T>C (NM_001308054.2, NM_001291556.2).
Identifiers: ClinVar variation 993776 (VCV000993776.17), dbSNP rs190213824, ClinGen allele CA7123528.

ClinVar aggregate classification (germline): Benign/Likely benign. Review status: criteria provided, multiple submitters, no conflicts (2 of 4 stars). 3 submissions from 3 submitters: Benign (2); Likely benign (1). Last evaluated 2026-01-14.

Allele frequency attached by ClinVar (database versions not stated): ESP Exome Variant Server 0.00154; TOPMed 0.00175; gnomAD 0.00219 and 0.00228; gnomAD exomes 0.00299; ExAC 0.00338.
gnomAD v4.1: 4,165 of 1,534,364 alleles (0.27%); highest among the groups gnomAD compares: Non-Finnish European, 0.3%; 4 homozygotes.

Submissions (3):

Labcorp Genetics (formerly Invitae), Labcorp
Classification: Benign. Last evaluated: 2026-01-14. Review status: criteria provided, single submitter. Criteria: Invitae Variant Classification Sherloc (09022015). Collection method: clinical testing. Allele origin: germline.

Mayo Clinic Laboratories, Mayo Clinic
Classification: Likely benign. Last evaluated: 2025-05-20. Review status: criteria provided, single submitter. Criteria: ACMG Guidelines, 2015. Collection method: clinical testing. Allele origin: germline. Observed: 4 variant alleles.
Comment: BP4, BP7

ARUP Laboratories, Molecular Genetics and Genomics, ARUP Laboratories
Classification: Benign. Last evaluated: 2023-11-22. Review status: criteria provided, single submitter. Criteria: ARUP Molecular Germline Variant Investigation Process 2024. Collection method: clinical testing. Allele origin: germline.